The following is an entry in ClinVar:

ClinVar aggregate classification (germline): Uncertain significance. Review status: criteria provided, multiple submitters, no conflicts (2 of 4 stars). 2 submissions from 2 submitters: Uncertain significance (2). Last evaluated 2025-10-24.

Conditions:
Inborn genetic diseases. Identifiers: MedGen C0950123, MeSH D030342.

Submissions (2):

Ambry Genetics
Classification: Uncertain significance for Inborn genetic diseases. Last evaluated: 2025-10-24. Review status: criteria provided, single submitter. Criteria: Ambry Variant Classification Scheme 2023. Collection method: clinical testing. Allele origin: germline.

GeneDx
Classification: Uncertain significance. Last evaluated: 2024-12-08. Review status: criteria provided, single submitter. Criteria: GeneDx Variant Classification Process June 2021. Collection method: clinical testing. Allele origin: germline. Affected: yes.
Comment: Not observed at significant frequency in large population cohorts (gnomAD); In silico analysis supports that this missense variant has a deleterious effect on protein structure/function; Has not been previously published as pathogenic or benign to our knowledge

NM_139058.3(ARX):c.1457C>T (p.Ser486Phe)

Gene: ARX (aristaless related homeobox; minus strand). Cytogenetic location: Xp21.3.
Variant type: single nucleotide variant.
Coding change: c.1457C>T on transcript NM_139058.3 (MANE Select); coding-DNA position 1457, C replaced by T.
Protein change: p.Ser486Phe; replaces serine 486 with phenylalanine.
Molecular consequence: missense variant.
Genome position (GRCh38, 1-based): chrX:25,004,902, G>A on the plus strand (C>T on the coding strand, the complement: ARX is on the minus strand). VCF-style: chrX-25004902-G-A. GRCh37 (hg19) VCF-style: chrX-25023019-G-A.
Other names: short protein forms S486F.
Identifiers: ClinVar variation 3901522 (VCV003901522.2).